The following is an entry in ClinVar:

NM_001903.5(CTNNA1):c.338A>G (p.Asp113Gly)

Gene: CTNNA1 (catenin alpha 1; plus strand). Cytogenetic location: 5q31.2.
Variant type: single nucleotide variant.
Coding change: c.338A>G on transcript NM_001903.5 (MANE Select); coding-DNA position 338, A replaced by G.
Protein change: p.Asp113Gly; replaces aspartic acid 113 with glycine.
Molecular consequence: missense variant. On other transcripts: intron variant (1).
Genome position (GRCh38, 1-based): chr5:138,810,074, A>G. VCF-style: chr5-138810074-A-G. GRCh37 (hg19) VCF-style: chr5-138145763-A-G.
Other names: c.338A>G, p.Asp113Gly (NM_001290307.3, NM_001323982.2, NM_001323983.1 and 3 more transcripts); c.29A>G, p.Asp10Gly (NM_001290309.3); c.-5-27A>G (NM_001290310.3); c.338A>G (NM_001903.4); short protein forms D10G, D113G.
Identifiers: ClinVar variation 862552 (VCV000862552.13), dbSNP rs768136600, ClinGen allele CA3431425.

ClinVar aggregate classification (germline): Uncertain significance. Review status: criteria provided, multiple submitters, no conflicts (2 of 4 stars). 3 submissions from 3 submitters: Uncertain significance (3). Last evaluated 2026-01-16.

Conditions:
Hereditary cancer-predisposing syndrome. Also called: Neoplastic Syndromes, Hereditary; Hereditary Cancer Syndrome; Tumor predisposition; Hereditary neoplastic syndrome. Identifiers: Orphanet 140162, MedGen C0027672, MeSH D009386, MONDO:0015356.
CTNNA1-related disorder. Also called: CTNNA1-related condition.

Allele frequency attached by ClinVar (database versions not stated): gnomAD exomes below 0.00001 and 0.00001; TOPMed below 0.00001; ExAC 0.00001.
gnomAD v4.1: 14 of 1,613,758 alleles (0.00087%); highest among the groups gnomAD compares: Non-Finnish European, 0.0012%; no homozygotes.

Submissions (4):

Labcorp Genetics (formerly Invitae), Labcorp
Classification: Uncertain significance. Last evaluated: 2026-01-16. Review status: criteria provided, single submitter. Criteria: Invitae Variant Classification Sherloc (09022015). Collection method: clinical testing. Allele origin: germline.
Comment: This sequence change replaces aspartic acid, which is acidic and polar, with glycine, which is neutral and non-polar, at codon 113 of the CTNNA1 protein (p.Asp113Gly). This variant is not present in population databases (gnomAD no frequency). This missense change has been observed in individual(s) with pancreatic cancer (PMID: 34326862). ClinVar contains an entry for this variant (Variation ID: 862552). Invitae Evidence Modeling of protein sequence and biophysical properties (such as structural, functional, and spatial information, amino acid conservation, physicochemical variation, residue mobility, and thermodynamic stability) indicates that this missense variant is not expected to disrupt CTNNA1 protein function with a negative predictive value of 80%. In summary, the available evidence is currently insufficient to determine the role of this variant in disease. Therefore, it has been classified as a Variant of Uncertain Significance.

PreventionGenetics, part of Exact Sciences
Classification: Uncertain significance for CTNNA1-related condition. Last evaluated: 2025-11-24. Review status: criteria provided, single submitter. Criteria: ACMG Guidelines, 2015. Collection method: clinical testing. Allele origin: germline.
Comment: The CTNNA1 c.338A>G variant is predicted to result in the amino acid substitution p.Asp113Gly. This variant was reported as a variant of uncertain significance in an individual with gastric or breast cancer (Supplemental Table 1, Clark et al. 2020. PubMed ID: 32051609). This variant was also reported in an individual with pancreatic cancer (Table S4, Bhai et al. 2021. PubMed ID: 34326862). This variant is reported in 0.00088% of alleles in individuals of European (Non-Finnish) descent in gnomAD and is classified as a variant of uncertain significance in ClinVar (Variation ID: 862552). At this time, the clinical significance of this variant is uncertain due to the absence of conclusive functional and genetic evidence.

Ambry Genetics
Classification: Uncertain significance for Hereditary cancer-predisposing syndrome. Last evaluated: 2024-10-30. Review status: criteria provided, single submitter. Criteria: Ambry Variant Classification Scheme 2023. Collection method: clinical testing. Allele origin: germline.
Comment: The p.D113G variant (also known as c.338A>G), located in coding exon 3 of the CTNNA1 gene, results from an A to G substitution at nucleotide position 338. The aspartic acid at codon 113 is replaced by glycine, an amino acid with similar properties. This amino acid position is well conserved in available vertebrate species. In addition, this alteration is predicted to be tolerated by in silico analysis. The evidence for this gene-disease relationship is limited; therefore, the clinical significance of this alteration is unclear.

Dr. Peter K. Rogan Lab, Western University
No classification provided (evidence only). Condition: Clear cell carcinoma of kidney. Review status: no classification provided. Collection method: in vitro. Allele origin: not applicable. Functional consequence: retained intron. Not counted in ClinVar's aggregate classification.

Literature cited by the submitters: PubMed 34326862 (cited by Labcorp Genetics (formerly Invitae), Labcorp).